The following is an entry in ClinVar:

ClinVar aggregate classification (germline): Uncertain significance. Review status: criteria provided, multiple submitters, no conflicts (2 of 4 stars). 4 submissions from 4 submitters: Uncertain significance (4). Last evaluated 2024-06-26.

Conditions:
Jeune thoracic dystrophy. Also called: Short-rib thoracic dysplasia; Infantile thoracic dystrophy; Thoracic pelvic phalangeal dystrophy; Jeune's syndrome; Jeune syndrome; Chondroectodermal dysplasia-like syndrome. Identifiers: Orphanet 474, MedGen C0265275, MONDO:0018770.
Inborn genetic diseases. Identifiers: MedGen C0950123, MeSH D030342.

Allele frequency attached by ClinVar (database versions not stated): gnomAD exomes below 0.00001; ExAC 0.00001; gnomAD 0.00002.
gnomAD v4.1: 12 of 1,607,940 alleles (0.00075%); highest among the groups gnomAD compares: African/African-American, 0.013%; no homozygotes.

Submissions (4):

Blueprint Genetics
Classification: Uncertain significance. Last evaluated: 2024-06-26. Review status: criteria provided, single submitter. Criteria: ACMG Guidelines, 2015. Collection method: clinical testing. Allele origin: germline.

Ambry Genetics
Classification: Uncertain significance for Inborn genetic diseases. Last evaluated: 2024-05-16. Review status: criteria provided, single submitter. Criteria: Ambry Variant Classification Scheme 2023. Collection method: clinical testing. Allele origin: germline.

Labcorp Genetics (formerly Invitae), Labcorp
Classification: Uncertain significance for Jeune thoracic dystrophy. Last evaluated: 2022-10-03. Review status: criteria provided, single submitter. Criteria: Invitae Variant Classification Sherloc (09022015). Collection method: clinical testing. Allele origin: germline.
Comment: This sequence change replaces glutamic acid, which is acidic and polar, with alanine, which is neutral and non-polar, at codon 333 of the DYNC2H1 protein (p.Glu333Ala). This variant is not present in population databases (gnomAD no frequency). This variant has not been reported in the literature in individuals affected with DYNC2H1-related conditions. ClinVar contains an entry for this variant (Variation ID: 1350038). Algorithms developed to predict the effect of missense changes on protein structure and function (SIFT, PolyPhen-2, Align-GVGD) all suggest that this variant is likely to be disruptive. Algorithms developed to predict the effect of sequence changes on RNA splicing suggest that this variant may disrupt the consensus splice site. In summary, the available evidence is currently insufficient to determine the role of this variant in disease. Therefore, it has been classified as a Variant of Uncertain Significance.

GeneDx
Classification: Uncertain significance. Last evaluated: 2022-07-25. Review status: criteria provided, single submitter. Criteria: GeneDx Variant Classification Process June 2021. Collection method: clinical testing. Allele origin: germline. Affected: yes.
Comment: Not observed at significant frequency in large population cohorts (gnomAD); In silico analysis supports that this missense variant has a deleterious effect on protein structure/function; Has not been previously published as pathogenic or benign to our knowledge

NM_001377.3(DYNC2H1):c.998A>C (p.Glu333Ala)

Gene: DYNC2H1 (dynein cytoplasmic 2 heavy chain 1; plus strand). Cytogenetic location: 11q22.3.
Variant type: single nucleotide variant.
Coding change: c.998A>C on transcript NM_001377.3 (MANE Select); coding-DNA position 998, A replaced by C.
Protein change: p.Glu333Ala; replaces glutamic acid 333 with alanine.
Molecular consequence: missense variant.
Genome position (GRCh38, 1-based): chr11:103,117,862, A>C. VCF-style: chr11-103117862-A-C. GRCh37 (hg19) VCF-style: chr11-102988591-A-C.
Other names: c.998A>C, p.Glu333Ala (NM_001080463.2); c.998A>C (NM_001080463.1); short protein forms E333A.
Identifiers: ClinVar variation 1350038 (VCV001350038.9), dbSNP rs763366904, ClinGen allele CA6252648.